The following is an entry in ClinVar:

NM_018139.3(DNAAF2):c.530G>C (p.Gly177Ala)

Gene: DNAAF2 (dynein axonemal assembly factor 2; minus strand). Cytogenetic location: 14q21.3.
Variant type: single nucleotide variant.
Coding change: c.530G>C on transcript NM_018139.3 (MANE Select); coding-DNA position 530, G replaced by C.
Protein change: p.Gly177Ala; replaces glycine 177 with alanine.
Molecular consequence: missense variant.
Genome position (GRCh38, 1-based): chr14:49,634,620, C>G on the plus strand (G>C on the coding strand, the complement: DNAAF2 is on the minus strand). VCF-style: chr14-49634620-C-G. GRCh37 (hg19) VCF-style: chr14-50101338-C-G.
Other names: c.530G>C, p.Gly177Ala (NM_001083908.2); short protein forms G177A.
Identifiers: ClinVar variation 454911 (VCV000454911.7), dbSNP rs372399039, ClinGen allele CA7173094.

ClinVar aggregate classification (germline): Uncertain significance. Review status: criteria provided, multiple submitters, no conflicts (2 of 4 stars). 2 submissions from 2 submitters: Uncertain significance (2). Last evaluated 2022-02-24.

Conditions:
Primary ciliary dyskinesia. Also called: Ciliary dyskinesia. Identifiers: Orphanet 244, MedGen C0008780, MONDO:0016575, HP:0012265.

Allele frequency attached by ClinVar (database versions not stated): gnomAD 0.00002; ExAC 0.00003; TOPMed 0.00004; ESP Exome Variant Server 0.00025.

Submissions (2):

Labcorp Genetics (formerly Invitae), Labcorp
Classification: Uncertain significance for Primary ciliary dyskinesia. Last evaluated: 2022-02-24. Review status: criteria provided, single submitter. Criteria: Invitae Variant Classification Sherloc (09022015). Collection method: clinical testing. Allele origin: germline.
Comment: This sequence change replaces glycine, which is neutral and non-polar, with alanine, which is neutral and non-polar, at codon 177 of the DNAAF2 protein (p.Gly177Ala). This variant is present in population databases (rs372399039, gnomAD 0.01%). This variant has not been reported in the literature in individuals affected with DNAAF2-related conditions. ClinVar contains an entry for this variant (Variation ID: 454911). Algorithms developed to predict the effect of missense changes on protein structure and function are either unavailable or do not agree on the potential impact of this missense change (SIFT: "Tolerated"; PolyPhen-2: "Probably Damaging"; Align-GVGD: "Class C0"). In summary, the available evidence is currently insufficient to determine the role of this variant in disease. Therefore, it has been classified as a Variant of Uncertain Significance.

Ambry Genetics
Classification: Uncertain significance for Primary ciliary dyskinesia. Last evaluated: 2022-02-09. Review status: criteria provided, single submitter. Criteria: Ambry Variant Classification Scheme 2023. Collection method: clinical testing. Allele origin: germline.